The following is an entry in ClinVar:

NM_006767.4(LZTR1):c.142T>G (p.Phe48Val)

Gene: LZTR1 (leucine zipper like post translational regulator 1; plus strand). Cytogenetic location: 22q11.21.
Variant type: single nucleotide variant.
Coding change: c.142T>G on transcript NM_006767.4 (MANE Select); coding-DNA position 142, T replaced by G.
Protein change: p.Phe48Val; replaces phenylalanine 48 with valine.
Molecular consequence: missense variant.
Genome position (GRCh38, 1-based): chr22:20,982,513, T>G. VCF-style: chr22-20982513-T-G. GRCh37 (hg19) VCF-style: chr22-21336802-T-G.
Other names: short protein forms F48V.
Identifiers: ClinVar variation 3238081 (VCV003238081.1), dbSNP rs1924232006.

ClinVar aggregate classification (germline): Uncertain significance (1 of 4 stars; one submission).

Conditions:
Hereditary cancer-predisposing syndrome. Also called: Neoplastic Syndromes, Hereditary; Tumor predisposition; Hereditary neoplastic syndrome; Hereditary Cancer Syndrome. Identifiers: Orphanet 140162, MedGen C0027672, MeSH D009386, MONDO:0015356.
Cardiovascular phenotype. Identifiers: MedGen CN230736.

Submission:

Ambry Genetics
Classification: Uncertain significance for Cardiovascular phenotype; Hereditary cancer-predisposing syndrome. Last evaluated: 2023-12-18. Review status: criteria provided, single submitter. Criteria: Ambry Variant Classification Scheme 2023. Collection method: clinical testing. Allele origin: germline.
Comment: The p.F48V variant (also known as c.142T>G), located in coding exon 1 of the LZTR1 gene, results from a T to G substitution at nucleotide position 142. The phenylalanine at codon 48 is replaced by valine, an amino acid with highly similar properties. This amino acid position is conserved. In addition, the in silico prediction for this alteration is inconclusive. Since supporting evidence is limited at this time, the clinical significance of this alteration remains unclear.